The following is an entry in ClinVar:

ClinVar aggregate classification (germline): Conflicting classifications of pathogenicity. Review status: criteria provided, conflicting classifications (1 of 4 stars). 4 submissions from 4 submitters: Uncertain significance (3); Likely benign (1). Last evaluated 2024-05-18.

Conditions:
Fanconi anemia (FA). Also called: Fanconi's anemia. Identifiers: Orphanet 84, MedGen C0015625, MeSH D005199, MONDO:0019391.
Fanconi anemia complementation group F. Also called: FANCF-Related Fanconi Anemia. Identifiers: Orphanet 84, MedGen C3469526, MONDO:0011325, OMIM 603467.

Allele frequency attached by ClinVar (database versions not stated): gnomAD exomes below 0.00001 and 0.00001; ExAC 0.00001.

Submissions (4):

Fulgent Genetics
Classification: Uncertain significance for Fanconi anemia complementation group F. Last evaluated: 2024-05-18. Review status: criteria provided, single submitter. Criteria: ACMG Guidelines, 2015. Collection method: clinical testing. Allele origin: germline.

Labcorp Genetics (formerly Invitae), Labcorp
Classification: Uncertain significance for Fanconi anemia. Last evaluated: 2024-03-24. Review status: criteria provided, single submitter. Criteria: Invitae Variant Classification Sherloc (09022015). Collection method: clinical testing. Allele origin: germline.
Comment: This sequence change replaces glutamine, which is neutral and polar, with arginine, which is basic and polar, at codon 113 of the FANCF protein (p.Gln113Arg). This variant is present in population databases (rs757993614, gnomAD 0.01%). This variant has not been reported in the literature in individuals affected with FANCF-related conditions. ClinVar contains an entry for this variant (Variation ID: 998326). Advanced modeling of protein sequence and biophysical properties (such as structural, functional, and spatial information, amino acid conservation, physicochemical variation, residue mobility, and thermodynamic stability) performed at Invitae indicates that this missense variant is not expected to disrupt FANCF protein function with a negative predictive value of 80%. In summary, the available evidence is currently insufficient to determine the role of this variant in disease. Therefore, it has been classified as a Variant of Uncertain Significance.

ARUP Laboratories, Molecular Genetics and Genomics, ARUP Laboratories
Classification: Likely benign for Fanconi anemia complementation group F. Last evaluated: 2024-02-21. Review status: criteria provided, single submitter. Criteria: ARUP Molecular Germline Variant Investigation Process 2024. Collection method: clinical testing. Allele origin: germline.

Baylor Genetics
Classification: Uncertain significance for Fanconi anemia complementation group F. Last evaluated: 2019-06-19. Review status: criteria provided, single submitter. Criteria: ACMG Guidelines, 2015. Collection method: clinical testing. Allele origin: unknown. Affected: yes. Study: CSER-TexasKidsCanSeq.
Comment: This variant was determined to be of uncertain significance according to ACMG Guidelines, 2015 [PMID:25741868].

NM_022725.4(FANCF):c.338A>G (p.Gln113Arg)

Gene: FANCF (FA complementation group F; minus strand). Cytogenetic location: 11p14.3.
Variant type: single nucleotide variant.
Coding change: c.338A>G on transcript NM_022725.4 (MANE Select); coding-DNA position 338, A replaced by G.
Protein change: p.Gln113Arg; replaces glutamine 113 with arginine.
Molecular consequence: missense variant.
Genome position (GRCh38, 1-based): chr11:22,625,473, T>C on the plus strand (A>G on the coding strand, the complement: FANCF is on the minus strand). VCF-style: chr11-22625473-T-C. GRCh37 (hg19) VCF-style: chr11-22647019-T-C.
Other names: short protein forms Q113R.
Identifiers: ClinVar variation 998326 (VCV000998326.8), dbSNP rs757993614, ClinGen allele CA5924367.